The following is an entry in ClinVar:

ClinVar aggregate classification (germline): Uncertain significance (1 of 4 stars; one submission).

Conditions:
Infantile myofibromatosis (IMF). Also called: Congenital generalized fibromatosis. Identifiers: Orphanet 2591, MedGen C0432284, MONDO:0016824.
Skeletal overgrowth-craniofacial dysmorphism-hyperelastic skin-white matter lesions syndrome. Also called: SKELETAL OVERGROWTH WITH FACIAL DYSMORPHISM, HYPERELASTIC SKIN, WHITE MATTER LESIONS, AND NEUROLOGIC DETERIORATION; Kosaki overgrowth syndrome. Identifiers: Orphanet 477831, MedGen C4225270, MONDO:0014704, OMIM 616592.
Acroosteolysis-keloid-like lesions-premature aging syndrome. Also called: Premature aging syndrome, Penttinen type; Prematurely aged appearance, delayed bone maturation, acro-osteolysis, and brachydactyly; Progeroid syndrome, Penttinen type. Identifiers: Orphanet 363665, MedGen C1866182, MONDO:0011150, OMIM 601812.
Basal ganglia calcification, idiopathic, 4 (PFBC4). Also called: Familial Idiopathic Basal Ganglia Calcification 4; PRIMARY FAMILIAL BRAIN CALCIFICATION 4, AUTOSOMAL DOMINANT. Identifiers: Orphanet 1980, MedGen C3554321, MONDO:0014004, OMIM 615007.

Allele frequency attached by ClinVar (database versions not stated): gnomAD exomes below 0.00001.
gnomAD v4.1: 1 of 1,614,076 alleles (0.000062%); highest among the groups gnomAD compares: Non-Finnish European, 0.000085%; no homozygotes.

Submission:

Labcorp Genetics (formerly Invitae), Labcorp
Classification: Uncertain significance for Basal ganglia calcification, idiopathic, 4; Skeletal overgrowth-craniofacial dysmorphism-hyperelastic skin-white matter lesions syndrome; Infantile myofibromatosis; Acroosteolysis-keloid-like lesions-premature aging syndrome. Last evaluated: 2022-08-27. Review status: criteria provided, single submitter. Criteria: Invitae Variant Classification Sherloc (09022015). Collection method: clinical testing. Allele origin: germline.
Comment: This variant has not been reported in the literature in individuals affected with PDGFRB-related conditions. This variant is not present in population databases (gnomAD no frequency). This sequence change replaces tyrosine, which is neutral and polar, with histidine, which is basic and polar, at codon 249 of the PDGFRB protein (p.Tyr249His). Advanced modeling of protein sequence and biophysical properties (such as structural, functional, and spatial information, amino acid conservation, physicochemical variation, residue mobility, and thermodynamic stability) performed at Invitae indicates that this missense variant is not expected to disrupt PDGFRB protein function. In summary, the available evidence is currently insufficient to determine the role of this variant in disease. Therefore, it has been classified as a Variant of Uncertain Significance.

NM_002609.4(PDGFRB):c.745T>C (p.Tyr249His)

Gene: PDGFRB (platelet derived growth factor receptor beta; minus strand). Cytogenetic location: 5q32.
Variant type: single nucleotide variant.
Coding change: c.745T>C on transcript NM_002609.4 (MANE Select); coding-DNA position 745, T replaced by C.
Protein change: p.Tyr249His; replaces tyrosine 249 with histidine.
Molecular consequence: missense variant.
Genome position (GRCh38, 1-based): chr5:150,133,895, A>G on the plus strand (T>C on the coding strand, the complement: PDGFRB is on the minus strand). VCF-style: chr5-150133895-A-G. GRCh37 (hg19) VCF-style: chr5-149513458-A-G.
Other names: c.553T>C, p.Tyr185His (NM_001355016.2); c.262T>C, p.Tyr88His (NM_001355017.2); short protein forms Y88H, Y185H, Y249H.
Identifiers: ClinVar variation 1976391 (VCV001976391.5), dbSNP rs2481238753, ClinGen allele CA361722104.
Genomic context (GRCh38, chr5:150,133,895, plus strand): 5'-ACCCGTTCCTGGCCCCTCCTCCGACCCCTGCCTGGCCCCACATTACTTCTTTGCGGGGGT[A>G]TGTCCACTCGAAGTTGACCACCTCATTCCCGATCACAATGCACATGAGGGTGATGTTCTC-3'
Protein context (NP_002600.1, residues 239-259): GNEVVNFEWT[Tyr249His]PRKESGRLVE